The following is an entry in ClinVar:

ClinVar aggregate classification (germline): Pathogenic (1 of 4 stars; one submission).

Conditions:
Partial hypoxanthine-guanine phosphoribosyltransferase deficiency. Also called: HPRT DEFICIENCY, PARTIAL; HYPOXANTHINE GUANINE PHOSPHORIBOSYLTRANSFERASE 1 DEFICIENCY, PARTIAL; GOUT, HPRT-RELATED; Kelley-Seegmiller Syndrome; HPRT1 DEFICIENCY, PARTIAL. Identifiers: Orphanet 79233, MedGen C0268117, MONDO:0010299, OMIM 300323.
Lesch-Nyhan syndrome (LNS). Also called: HPRT DEFICIENCY, COMPLETE; Lesch-Nyhan Disease (LND). Identifiers: Orphanet 510, MedGen C0023374, MONDO:0010298, OMIM 300322.

Submission:

Labcorp Genetics (formerly Invitae), Labcorp
Classification: Pathogenic for Lesch-Nyhan syndrome; Partial hypoxanthine-guanine phosphoribosyltransferase deficiency. Last evaluated: 2021-12-19. Review status: criteria provided, single submitter. Criteria: Invitae Variant Classification Sherloc (09022015). Collection method: clinical testing. Allele origin: germline.
Comment: For these reasons, this variant has been classified as Pathogenic. This variant has not been reported in the literature in individuals affected with HPRT1-related conditions. This variant is not present in population databases (gnomAD no frequency). This sequence change creates a premature translational stop signal (p.Arg4Leufs*4) in the HPRT1 gene. It is expected to result in an absent or disrupted protein product. Loss-of-function variants in HPRT1 are known to be pathogenic (PMID: 15571220, 17027311, 22157001).

Literature cited by the submitters: PubMed 15571220; PubMed 17027311; PubMed 22157001.

NM_000194.3(HPRT1):c.11_17del (p.Arg4fs)

Genes: HPRT1 (hypoxanthine phosphoribosyltransferase 1; plus strand), LOC107032760 (origin of replication in promoter/intron 1 of HPRT1; plus strand), LOC129929047 (ATAC-STARR-seq lymphoblastoid silent region 21009; plus strand). Cytogenetic location: Xq26.2.
Variant type: Deletion.
Coding change: c.11_17del on transcript NM_000194.3 (MANE Select); coding-DNA positions 11 to 17, 7 bases deleted (GCAGCCC; older notation c.11_17delGCAGCCC).
Protein change: p.Arg4fs; shifts the reading frame from arginine 4.
Molecular consequence: frameshift variant.
Genome position (GRCh38, 1-based): chrX:134,460,322-134,460,328, GCAGCCC deleted; deleting any 7 consecutive bases within chrX:134,460,319-134,460,328 gives the same sequence; the c. name uses the placement nearest the transcript's 3' end. VCF-style (leftmost placement, unchanged base first): chrX-134460318-ACCCGCAG-A. GRCh37 (hg19) VCF-style: chrX-133594348-ACCCGCAG-A.
Other names: short protein forms R4fs.
Identifiers: ClinVar variation 1454295 (VCV001454295.6), dbSNP rs2124280518, ClinGen allele CA2573159281.